The following is an entry in ClinVar:

NM_000844.4(GRM7):c.1352A>C (p.Tyr451Ser)

Gene: GRM7 (glutamate metabotropic receptor 7; plus strand). Cytogenetic location: 3p26.1.
Variant type: single nucleotide variant.
Coding change: c.1352A>C on transcript NM_000844.4 (MANE Select); coding-DNA position 1352, A replaced by C.
Protein change: p.Tyr451Ser; replaces tyrosine 451 with serine.
Molecular consequence: missense variant.
Genome position (GRCh38, 1-based): chr3:7,452,784, A>C. VCF-style: chr3-7452784-A-C. GRCh37 (hg19) VCF-style: chr3-7494471-A-C.
Other names: c.1352A>C, p.Tyr451Ser (NM_181874.3); short protein forms Y451S.
Identifiers: ClinVar variation 1715029 (VCV001715029.5), dbSNP rs774952581, ClinGen allele CA351798748.

ClinVar aggregate classification (germline): Uncertain significance (1 of 4 stars; one submission).

Submission:

Labcorp Genetics (formerly Invitae), Labcorp
Classification: Uncertain significance. Last evaluated: 2022-08-04. Review status: criteria provided, single submitter. Criteria: Invitae Variant Classification Sherloc (09022015). Collection method: clinical testing. Allele origin: germline.
Comment: In summary, the available evidence is currently insufficient to determine the role of this variant in disease. Therefore, it has been classified as a Variant of Uncertain Significance. Algorithms developed to predict the effect of missense changes on protein structure and function are either unavailable or do not agree on the potential impact of this missense change (SIFT: "Deleterious"; PolyPhen-2: "Benign"; Align-GVGD: "Class C0"). This variant has not been reported in the literature in individuals affected with GRM7-related conditions. This variant is not present in population databases (gnomAD no frequency). This sequence change replaces tyrosine, which is neutral and polar, with serine, which is neutral and polar, at codon 451 of the GRM7 protein (p.Tyr451Ser).